The following is an entry in ClinVar:

ClinVar aggregate classification (germline): Uncertain significance (1 of 4 stars; one submission).

Submission:

Ambry Genetics
Classification: Uncertain significance. Last evaluated: 2025-08-18. Review status: criteria provided, single submitter. Criteria: Ambry Variant Classification Scheme 2023. Collection method: clinical testing. Allele origin: germline.
Comment: The p.K4R variant (also known as c.11A>G), located in coding exon 1 of the RAD51B gene, results from an A to G substitution at nucleotide position 11. The lysine at codon 4 is replaced by arginine, an amino acid with highly similar properties. This amino acid position is highly conserved in available vertebrate species. In addition, this alteration is predicted to be tolerated by in silico analysis. The evidence for this gene-disease relationship is limited; therefore, the clinical significance of this alteration is unclear.

NM_133510.4(RAD51B):c.11A>G (p.Lys4Arg)

Gene: RAD51B (RAD51 paralog B; plus strand). Cytogenetic location: 14q24.1.
Variant type: single nucleotide variant.
Coding change: c.11A>G on transcript NM_133510.4 (MANE Select); coding-DNA position 11, A replaced by G.
Protein change: p.Lys4Arg; replaces lysine 4 with arginine.
Molecular consequence: missense variant. On other transcripts: 5 prime UTR variant (1).
Genome position (GRCh38, 1-based): chr14:67,823,554, A>G. VCF-style: chr14-67823554-A-G. GRCh37 (hg19) VCF-style: chr14-68290271-A-G.
Other names: c.11A>G, p.Lys4Arg (NM_002877.6, NM_133509.5, NM_001321809.2 and 6 more transcripts); c.-445A>G (NM_001321817.2); short protein forms K4R.
Identifiers: ClinVar variation 4149844 (VCV004149844.1).
Genomic context (GRCh38, chr14:67,823,554, plus strand): 5'-ATTCTGTTGTTTTTTTCATGGTTCTTCTTTTCTTTGCTGGATCTGGAGGCATGGGTAGCA[A>G]GAAACTAAAACGAGTGGGTTTATCACAAGAGCTGTGTGACCGTCTGAGTAGACATCAGAT-3'
Protein context (NP_598194.1, residues 1-14): MGS[Lys4Arg]KLKRVGLSQE